The following is an entry in ClinVar:

ClinVar aggregate classification (germline): Likely benign. Review status: criteria provided, multiple submitters, no conflicts (2 of 4 stars). 2 submissions from 2 submitters: Likely benign (2). Last evaluated 2026-01-07.

Conditions:
Van der Woude syndrome 2 (VWS2). Identifiers: Orphanet 888, MedGen C1847604, MONDO:0011712, OMIM 606713.
GRHL3-related disorder. Also called: GRHL3-related condition.

Allele frequency attached by ClinVar (database versions not stated): 1000 Genomes Project 30x 0.00016; 1000 Genomes Project 0.00020; gnomAD 0.00050; TOPMed 0.00051; ExAC 0.00058; ESP Exome Variant Server 0.00085.
gnomAD v4.1: 1,145 of 1,611,852 alleles (0.071%); highest among the groups gnomAD compares: Non-Finnish European, 0.091%; 1 homozygote.

Submissions (2):

PreventionGenetics, part of Exact Sciences
Classification: Likely benign for GRHL3-related condition. Last evaluated: 2026-01-07. Review status: criteria provided, single submitter. Criteria: ACMG Guidelines, 2015. Collection method: clinical testing. Allele origin: germline.
Comment: This variant is classified as likely benign based on ACMG/AMP sequence variant interpretation guidelines (Richards et al. 2015 PMID: 25741868, with internal and published modifications).

Labcorp Genetics (formerly Invitae), Labcorp
Classification: Likely benign for Van der Woude syndrome 2. Last evaluated: 2025-12-23. Review status: criteria provided, single submitter. Criteria: Invitae Variant Classification Sherloc (09022015). Collection method: clinical testing. Allele origin: germline.

NM_198173.3(GRHL3):c.1531G>A (p.Asp511Asn)

Gene: GRHL3 (grainyhead like transcription factor 3; plus strand). Cytogenetic location: 1p36.11.
Variant type: single nucleotide variant.
Coding change: c.1531G>A on transcript NM_198173.3 (MANE Select); coding-DNA position 1531, G replaced by A.
Protein change: p.Asp511Asn; replaces aspartic acid 511 with asparagine.
Molecular consequence: missense variant.
Genome position (GRCh38, 1-based): chr1:24,346,629, G>A. VCF-style: chr1-24346629-G-A. GRCh37 (hg19) VCF-style: chr1-24673119-G-A.
Other names: c.1531G>A (NM_198173.2); c.1393G>A, p.Asp465Asn (NM_001195010.2); c.1546G>A, p.Asp516Asn (NM_021180.4); c.1531G>A, p.Asp511Asn (NM_198174.3); short protein forms D511N, D516N, D465N.
Identifiers: ClinVar variation 3018328 (VCV003018328.4), dbSNP rs137964149, ClinGen allele CA690266.